The following is an entry in ClinVar:

NM_018297.4(NGLY1):c.882-14dup

Gene: NGLY1 (N-glycanase 1; minus strand). Cytogenetic location: 3p24.2.
Variant type: Duplication.
Coding change: c.882-14dup on transcript NM_018297.4 (MANE Select); 14 bases into the intron before coding-DNA position 882, one base duplicated (T; older notation c.882-14dupT).
Molecular consequence: intron variant.
Genome position (GRCh38, 1-based): chr3:25,737,469, A duplicated on the plus strand (T on the coding strand, the reverse complement: NGLY1 is on the minus strand); the first of 8 consecutive A bases (chr3:25,737,469-25,737,476); duplicating any one gives the same sequence. VCF-style (leftmost placement, unchanged base first): chr3-25737468-G-GA. GRCh37 (hg19) VCF-style: chr3-25778959-G-GA.
Other names: c.756-14dup (NM_001145294.2); c.882-14dup (NM_001145295.2, NM_001145293.2); c.882-14dupT (NM_018297.3).
Identifiers: ClinVar variation 421762 (VCV000421762.9), dbSNP rs762807225, ClinGen allele CA2289352.
Genomic context (GRCh38, chr3:25,737,468, plus strand): 5'-CCACACCGTCCACATCTTGTTTCCAAAAGTTTCTCAGGGTTATTATATCTGGTTTAAAAA[G>GA]AAAAAAAACCTTAATTATCAAAATCAAGATTTTTAAGAGAATTTACATTACCTCTATGCT-3'

ClinVar aggregate classification (germline): Benign/Likely benign. Review status: criteria provided, multiple submitters, no conflicts (2 of 4 stars). 2 submissions from 2 submitters: Benign (1); Likely benign (1). Last evaluated 2026-01-20.

Conditions:
Congenital disorder of deglycosylation (CDDG). Identifiers: MedGen C3808991, MONDO:0031376.

Submissions (2):

Labcorp Genetics (formerly Invitae), Labcorp
Classification: Benign for Congenital disorder of deglycosylation. Last evaluated: 2026-01-20. Review status: criteria provided, single submitter. Criteria: Invitae Variant Classification Sherloc (09022015). Collection method: clinical testing. Allele origin: germline.

GeneDx
Classification: Likely benign. Last evaluated: 2016-08-09. Review status: criteria provided, single submitter. Criteria: GeneDx Variant Classification (06012015). Collection method: clinical testing. Allele origin: germline. Affected: yes.
Comment: This variant is considered likely benign or benign based on one or more of the following criteria: it is a conservative change, it occurs at a poorly conserved position in the protein, it is predicted to be benign by multiple in silico algorithms, and/or has population frequency not consistent with disease.